The following is an entry in ClinVar:

NM_005338.7(HIP1):c.3027C>T (p.Tyr1009=)

Gene: HIP1 (huntingtin interacting protein 1; minus strand). Cytogenetic location: 7q11.23.
Variant type: single nucleotide variant.
Coding change: c.3027C>T on transcript NM_005338.7 (MANE Select); coding-DNA position 3027, C replaced by T.
Protein change: p.Tyr1009=; no amino-acid change (tyrosine 1009 retained).
Molecular consequence: synonymous variant.
Genome position (GRCh38, 1-based): chr7:75,539,357, G>A on the plus strand (C>T on the coding strand, the complement: HIP1 is on the minus strand). VCF-style: chr7-75539357-G-A. GRCh37 (hg19) VCF-style: chr7-75168677-G-A.
Other names: c.2874C>T, p.Tyr958= (NM_001243198.3); c.2925C>T, p.Tyr975= (NM_001382444.1); c.2940C>T, p.Tyr980= (NM_001382445.1).
Identifiers: ClinVar variation 3041842 (VCV003041842.2), dbSNP rs145864307, ClinGen allele CA4301783.

ClinVar aggregate classification (germline): Likely benign (0 of 4 stars; one submission).

Conditions:
HIP1-related disorder. Also called: HIP1-related condition.

Allele frequency attached by ClinVar (database versions not stated): TOPMed 0.00039; ESP Exome Variant Server 0.00054; gnomAD 0.00088; gnomAD exomes 0.00117; ExAC 0.00241; 1000 Genomes Project 30x 0.00312; 1000 Genomes Project 0.00319.
gnomAD v4.1: 1,871 of 1,614,090 alleles (0.12%); highest among the groups gnomAD compares: South Asian, 1.4%; 33 homozygotes.

Submission:

PreventionGenetics, part of Exact Sciences
Classification: Likely benign for HIP1-related condition. Last evaluated: 2019-03-25. Review status: no assertion criteria provided. Collection method: clinical testing. Allele origin: germline.
Comment: This variant is classified as likely benign based on ACMG/AMP sequence variant interpretation guidelines (Richards et al. 2015 PMID: 25741868, with internal and published modifications).